The following is an entry in ClinVar:

ClinVar aggregate classification (germline): Uncertain significance. Review status: criteria provided, multiple submitters, no conflicts (2 of 4 stars). 4 submissions from 4 submitters: Uncertain significance (4). Last evaluated 2025-04-06.

Conditions:
Hereditary cancer-predisposing syndrome. Also called: Tumor predisposition; Neoplastic Syndromes, Hereditary; Hereditary neoplastic syndrome; Hereditary Cancer Syndrome. Identifiers: Orphanet 140162, MedGen C0027672, MeSH D009386, MONDO:0015356.
Ataxia-telangiectasia syndrome (AT). Also called: Ataxia-telangiectasia, complementation group D; AT, COMPLEMENTATION GROUP C; ATAXIA-TELANGIECTASIA, COMPLEMENTATION GROUP A; ATAXIA-TELANGIECTASIA, FRESNO VARIANT; Ataxia-telangiectasia; Ataxia telangiectasia (A-T). Identifiers: Orphanet 100, MedGen C0004135, MONDO:0008840, OMIM 208900.

Allele frequency attached by ClinVar (database versions not stated): gnomAD exomes 0.00001 and below 0.00001; ExAC 0.00002.
gnomAD v4.1: 2 of 1,613,554 alleles (0.00012%); highest among the groups gnomAD compares: South Asian, 0.0011%; no homozygotes.

Submissions (4):

Labcorp Genetics (formerly Invitae), Labcorp
Classification: Uncertain significance for Ataxia-telangiectasia syndrome. Last evaluated: 2025-04-06. Review status: criteria provided, single submitter. Criteria: Invitae Variant Classification Sherloc (09022015). Collection method: clinical testing. Allele origin: germline.
Comment: This sequence change replaces leucine, which is neutral and non-polar, with tryptophan, which is neutral and slightly polar, at codon 2523 of the ATM protein (p.Leu2523Trp). This variant is present in population databases (rs747145967, gnomAD 0.0009%). This missense change has been observed in individual(s) with clinical features of hereditary breast and ovarian cancer (PMID: 29522266, 29684080). ClinVar contains an entry for this variant (Variation ID: 956486). Invitae Evidence Modeling of protein sequence and biophysical properties (such as structural, functional, and spatial information, amino acid conservation, physicochemical variation, residue mobility, and thermodynamic stability) indicates that this missense variant is expected to disrupt ATM protein function with a positive predictive value of 95%. In summary, the available evidence is currently insufficient to determine the role of this variant in disease. Therefore, it has been classified as a Variant of Uncertain Significance.

Ambry Genetics
Classification: Uncertain significance for Hereditary cancer-predisposing syndrome. Last evaluated: 2023-09-27. Review status: criteria provided, single submitter. Criteria: Ambry Variant Classification Scheme 2023. Collection method: clinical testing. Allele origin: germline.
Comment: The p.L2523W variant (also known as c.7568T>G), located in coding exon 50 of the ATM gene, results from a T to G substitution at nucleotide position 7568. The leucine at codon 2523 is replaced by tryptophan, an amino acid with similar properties. This alteration was detected in 1/5589 German BRCA1/2-negative probands with breast cancer (Hauke J et al. Cancer Med, 2018 04;7:1349-1358). In a study of whole-exome sequencing in patients with features of Cowden syndrome (CS) or Bannayan-Riley-Ruvalcaba syndrome (BRRS) and negative PTEN testing, this alteration was identified in 0/87 patients with CS or BRRS and 1/3476 patients from The Cancer Genome Atlas (TCGA) (Yehia L et al. PLoS Genet, 2018 04;14:e1007352). This amino acid position is highly conserved in available vertebrate species. In addition, this alteration is predicted to be deleterious by in silico analysis. Since supporting evidence is limited at this time, the clinical significance of this alteration remains unclear.

Color Diagnostics, LLC DBA Color Health
Classification: Uncertain significance for Hereditary cancer-predisposing syndrome. Last evaluated: 2023-01-23. Review status: criteria provided, single submitter. Criteria: ACMG Guidelines, 2015. Collection method: clinical testing. Allele origin: germline.
Comment: This missense variant replaces leucine with tryptophan at codon 2523 of the ATM protein. Computational prediction suggests that this variant may have deleterious impact on protein structure and function (internally defined REVEL score threshold >= 0.7, PMID: 27666373). To our knowledge, functional studies have not been reported for this variant. This variant has been reported in individuals affected with breast cancer (PMID: 29522266, 29684080). This variant has been identified in 2/251308 chromosomes in the general population by the Genome Aggregation Database (gnomAD). The available evidence is insufficient to determine the role of this variant in disease conclusively. Therefore, this variant is classified as a Variant of Uncertain Significance.

Institute for Clinical Genetics, University Hospital TU Dresden, University Hospital TU Dresden
Classification: Uncertain significance. Last evaluated: 2021-08-18. Review status: criteria provided, single submitter. Criteria: ACMG Guidelines, 2015. Collection method: clinical testing. Allele origin: germline.
Comment: PP3, PM2_SUP

Literature cited by the submitters: PubMed 29522266 (cited by 3 submitters); PubMed 29684080 (cited by 3 submitters).

NM_000051.4(ATM):c.7568T>G (p.Leu2523Trp)

Genes: ATM (ATM serine/threonine kinase; plus strand), C11orf65 (chromosome 11 open reading frame 65; minus strand). Cytogenetic location: 11q22.3.
Variant type: single nucleotide variant.
Coding change: c.7568T>G on transcript NM_000051.4 (MANE Select); coding-DNA position 7568, T replaced by G.
Protein change: p.Leu2523Trp; replaces leucine 2523 with tryptophan.
Molecular consequence: missense variant. On other transcripts: non-coding transcript variant (1), intron variant (2).
Genome position (GRCh38, 1-based): chr11:108,331,496, T>G. VCF-style: chr11-108331496-T-G. GRCh37 (hg19) VCF-style: chr11-108202223-T-G.
Other names: c.7568T>G, p.Leu2523Trp (NM_001351834.2); c.641-22425A>C (NM_001330368.2); c.*38+3724A>C (NM_001351110.2); short protein forms L2523W.
Identifiers: ClinVar variation 956486 (VCV000956486.14), dbSNP rs747145967, ClinGen allele CA6266141.